The following is an entry in ClinVar:

NM_020433.5(JPH2):c.1275C>A (p.Asp425Glu)

Gene: JPH2 (junctophilin 2; minus strand). Cytogenetic location: 20q13.12.
Variant type: single nucleotide variant.
Coding change: c.1275C>A on transcript NM_020433.5 (MANE Select); coding-DNA position 1275, C replaced by A.
Protein change: p.Asp425Glu; replaces aspartic acid 425 with glutamic acid.
Molecular consequence: missense variant.
Genome position (GRCh38, 1-based): chr20:44,118,518, G>T on the plus strand (C>A on the coding strand, the complement: JPH2 is on the minus strand). VCF-style: chr20-44118518-G-T. GRCh37 (hg19) VCF-style: chr20-42747158-G-T.
Other names: short protein forms D425E.
Identifiers: ClinVar variation 1307693 (VCV001307693.2), dbSNP rs2145840509, ClinGen allele CA409101685.

ClinVar aggregate classification (germline): Uncertain significance (1 of 4 stars; one submission).

Submission:

GeneDx
Classification: Uncertain significance. Last evaluated: 2020-03-09. Review status: criteria provided, single submitter. Criteria: GeneDx Variant Classification Process June 2021. Collection method: clinical testing. Allele origin: germline. Affected: yes.
Comment: Has not been previously published as pathogenic or benign to our knowledge; Not observed in large population cohorts (Lek et al., 2016); In silico analysis supports that this missense variant does not alter protein structure/function